The following is an entry in ClinVar:

NM_001330260.2(SCN8A):c.3432A>C (p.Glu1144Asp)

Gene: SCN8A (sodium voltage-gated channel alpha subunit 8; plus strand). Cytogenetic location: 12q13.13.
Variant type: single nucleotide variant.
Coding change: c.3432A>C on transcript NM_001330260.2 (MANE Select); coding-DNA position 3432, A replaced by C.
Protein change: p.Glu1144Asp; replaces glutamic acid 1144 with aspartic acid.
Molecular consequence: missense variant.
Genome position (GRCh38, 1-based): chr12:51,769,927, A>C. VCF-style: chr12-51769927-A-C. GRCh37 (hg19) VCF-style: chr12-52163711-A-C.
Other names: c.3432A>C, p.Glu1144Asp (NM_001177984.3, NM_001369788.1, NM_014191.4); short protein forms E1144D.
Identifiers: ClinVar variation 5037223 (VCV005037223.1).
Genomic context (GRCh38, chr12:51,769,927, plus strand): 5'-GAAACTAGATGACACCAGCTCCTCTGAAGGAAGCACCATTGATATCAAACCAGAAGTAGA[A>C]GAGGTCCCTGTGGAACAGCCTGAGGAATACTTGGATCCAGATGCCTGCTTCACAGAAGGT-3'
Protein context (NP_001317189.1, residues 1134-1154): GSTIDIKPEV[Glu1144Asp]EVPVEQPEEY

ClinVar aggregate classification (germline): Uncertain significance (1 of 4 stars; one submission).

Submission:

GeneDx
Classification: Uncertain significance. Last evaluated: 2026-04-23. Review status: criteria provided, single submitter. Criteria: GeneDx Variant Classification Process June 2021. Collection method: clinical testing. Allele origin: germline.
Comment: Not observed at significant frequency in large population cohorts (gnomAD); In silico analysis suggests that this missense variant does not alter protein structure/function; Has not been previously published as pathogenic or benign to our knowledge; This substitution is predicted to be within the cytoplasmic loop between the second and third homologous domains